The following is an entry in ClinVar:

NM_198514.4(NHLRC2):c.1293_1296del (p.Ser431fs)

Gene: NHLRC2 (NHL repeat containing 2; plus strand). Cytogenetic location: 10q25.3.
Variant type: Deletion.
Coding change: c.1293_1296del on transcript NM_198514.4 (MANE Select); coding-DNA positions 1293 to 1296, 4 bases deleted (TGAG; older notation c.1293_1296delTGAG).
Protein change: p.Ser431fs; shifts the reading frame from serine 431.
Molecular consequence: frameshift variant.
Genome position (GRCh38, 1-based): chr10:113,901,819-113,901,822, TGAG deleted; deleting any 4 consecutive bases within chr10:113,901,817-113,901,822 gives the same sequence; the c. name uses the placement nearest the transcript's 3' end. VCF-style (leftmost placement, unchanged base first): chr10-113901816-TAGTG-T. GRCh37 (hg19) VCF-style: chr10-115661575-TAGTG-T.
Other names: short protein forms S431fs.
Identifiers: ClinVar variation 5019026 (VCV005019026.2).

ClinVar aggregate classification (germline): Likely pathogenic (1 of 4 stars; one submission).

Conditions:
Fibrosis, neurodegeneration, and cerebral angiomatosis. Also called: Fibrosis-neurodegeneration-cerebral angiomatosis syndrome. Identifiers: Orphanet 621758, MedGen C4748939, MONDO:0032651, OMIM 618278.

Submission:

Juno Genomics, Hangzhou Juno Genomics, Inc
Classification: Likely pathogenic for Fibrosis, neurodegeneration, and cerebral angiomatosis. Review status: criteria provided, single submitter. Criteria: ACMG Guidelines, 2015. Collection method: clinical testing. Allele origin: germline.
Comment: Absent from controls (or at extremely low frequency if recessive) in Genome Aggregation Database.;Null variant in a gene where loss of function (LOF) is a known mechanism of disease.